The following is an entry in ClinVar:

NM_001999.4(FBN2):c.4261A>C (p.Ile1421Leu)

Gene: FBN2 (fibrillin 2; minus strand). Cytogenetic location: 5q23.3.
Variant type: single nucleotide variant.
Coding change: c.4261A>C on transcript NM_001999.4 (MANE Select); coding-DNA position 4261, A replaced by C.
Protein change: p.Ile1421Leu; replaces isoleucine 1421 with leucine.
Molecular consequence: missense variant.
Genome position (GRCh38, 1-based): chr5:128,330,657, T>G on the plus strand (A>C on the coding strand, the complement: FBN2 is on the minus strand). VCF-style: chr5-128330657-T-G. GRCh37 (hg19) VCF-style: chr5-127666349-T-G.
Other names: short protein forms I1421L.
Identifiers: ClinVar variation 213410 (VCV000213410.6), dbSNP rs863223607, ClinGen allele CA323218.

ClinVar aggregate classification (germline): Uncertain significance. Review status: criteria provided, multiple submitters, no conflicts (2 of 4 stars). 2 submissions from 2 submitters: Uncertain significance (2). Last evaluated 2023-06-03.

Conditions:
Congenital contractural arachnodactyly (CCA). Also called: Beals-Hecht syndrome; BEALS SYNDROME; Arthrogryposis, distal, type 9. Identifiers: Orphanet 115, MedGen C0220668, MONDO:0007363, OMIM 121050.

Submissions (2):

Labcorp Genetics (formerly Invitae), Labcorp
Classification: Uncertain significance for Congenital contractural arachnodactyly. Last evaluated: 2023-06-03. Review status: criteria provided, single submitter. Criteria: Invitae Variant Classification Sherloc (09022015). Collection method: clinical testing. Allele origin: germline.
Comment: Advanced modeling of protein sequence and biophysical properties (such as structural, functional, and spatial information, amino acid conservation, physicochemical variation, residue mobility, and thermodynamic stability) performed at Invitae indicates that this missense variant is not expected to disrupt FBN2 protein function. ClinVar contains an entry for this variant (Variation ID: 213410). This variant has not been reported in the literature in individuals affected with FBN2-related conditions. This variant is not present in population databases (gnomAD no frequency). This sequence change replaces isoleucine, which is neutral and non-polar, with leucine, which is neutral and non-polar, at codon 1421 of the FBN2 protein (p.Ile1421Leu). In summary, the available evidence is currently insufficient to determine the role of this variant in disease. Therefore, it has been classified as a Variant of Uncertain Significance.

GeneDx
Classification: Uncertain significance. Last evaluated: 2019-07-02. Review status: criteria provided, single submitter. Criteria: GeneDx Variant Classification Process June 2021. Collection method: clinical testing. Allele origin: germline. Affected: yes.
Comment: Has not been previously published as pathogenic or benign to our knowledge; Not observed in large population cohorts (Lek et al., 2016); In silico analysis, which includes protein predictors and evolutionary conservation, supports that this variant does not alter protein structure/function; Although located in a calcium-binding EGF-like domain of the FBN2 gene, it does not affect a cysteine residue within this domain; cysteine substitutions in the calcium-binding EGF-like domains represent the majority of pathogenic missense changes associated with FBN2 related disorders (Frederic et al., 2009)